The following is an entry in ClinVar:

ClinVar aggregate classification (germline): Uncertain significance (1 of 4 stars; one submission).

Allele frequency attached by ClinVar (database versions not stated): ExAC 0.00001; gnomAD 0.00001; gnomAD exomes 0.00001; TOPMed 0.00001.
gnomAD v4.1: 22 of 1,613,994 alleles (0.0014%); highest among the groups gnomAD compares: East Asian, 0.0045%; no homozygotes.

Submission:

Labcorp Genetics (formerly Invitae), Labcorp
Classification: Uncertain significance. Last evaluated: 2021-11-01. Review status: criteria provided, single submitter. Criteria: Invitae Variant Classification Sherloc (09022015). Collection method: clinical testing. Allele origin: germline.
Comment: This sequence change replaces alanine, which is neutral and non-polar, with threonine, which is neutral and polar, at codon 642 of the SLC25A12 protein (p.Ala642Thr). This variant is present in population databases (rs200391757, gnomAD 0.0009%). This variant has not been reported in the literature in individuals affected with SLC25A12-related conditions. Algorithms developed to predict the effect of missense changes on protein structure and function are either unavailable or do not agree on the potential impact of this missense change (SIFT: "Deleterious"; PolyPhen-2: "Probably Damaging"; Align-GVGD: "Class C0"). In summary, the available evidence is currently insufficient to determine the role of this variant in disease. Therefore, it has been classified as a Variant of Uncertain Significance.

NM_003705.5(SLC25A12):c.1924G>A (p.Ala642Thr)

Gene: SLC25A12 (solute carrier family 25 member 12; minus strand). Cytogenetic location: 2q31.1.
Variant type: single nucleotide variant.
Coding change: c.1924G>A on transcript NM_003705.5 (MANE Select); coding-DNA position 1924, G replaced by A.
Protein change: p.Ala642Thr; replaces alanine 642 with threonine.
Molecular consequence: missense variant. On other transcripts: non-coding transcript variant (1).
Genome position (GRCh38, 1-based): chr2:171,785,387, C>T on the plus strand (G>A on the coding strand, the complement: SLC25A12 is on the minus strand). VCF-style: chr2-171785387-C-T. GRCh37 (hg19) VCF-style: chr2-172641897-C-T.
Other names: short protein forms A642T.
Identifiers: ClinVar variation 1461004 (VCV001461004.6), dbSNP rs200391757, ClinGen allele CA1966004.